The following is an entry in ClinVar:

NM_000077.5(CDKN2A):c.342C>G (p.Pro114=)

Gene: CDKN2A (cyclin dependent kinase inhibitor 2A; minus strand). Cytogenetic location: 9p21.3.
Variant type: single nucleotide variant.
Coding change: c.342C>G on transcript NM_000077.5; coding-DNA position 342, C replaced by G.
Protein change: p.Pro114=; no amino-acid change (proline 114 retained).
Molecular consequence: synonymous variant (on NM_000077.6). On other transcripts: missense variant (1), 3 prime UTR variant (1).
Genome position (GRCh38, 1-based): chr9:21,971,017, G>C on the plus strand (C>G on the coding strand, the complement: CDKN2A is on the minus strand). VCF-style: chr9-21971017-G-C. GRCh37 (hg19) VCF-style: chr9-21971016-G-C.
Other names: c.342C>G, p.Pro114= (NM_000077.6, NM_001195132.2); c.189C>G, p.Pro63= (NM_001363763.2); c.385C>G, p.Arg129Gly (NM_058195.4); c.*265C>G (NM_058197.5); short protein forms R129G.
Identifiers: ClinVar variation 236986 (VCV000236986.19), dbSNP rs878853648, ClinGen allele CA10582652.

ClinVar aggregate classification (germline): Conflicting classifications of pathogenicity. Review status: criteria provided, conflicting classifications (1 of 4 stars). 6 submissions from 6 submitters: Uncertain significance (3); Likely benign (2). 1 of the submissions does not count toward it. Last evaluated 2025-10-23.

Conditions:
CDKN2A-related disorder. Also called: CDKN2A-related condition.
Hereditary cancer-predisposing syndrome. Also called: Neoplastic Syndromes, Hereditary; Hereditary Cancer Syndrome; Tumor predisposition; Hereditary neoplastic syndrome. Identifiers: Orphanet 140162, MedGen C0027672, MeSH D009386, MONDO:0015356.
Familial melanoma. Also called: Hereditary melanoma; Hereditary cutaneous melanoma. Identifiers: Orphanet 618, MedGen C1512419, MONDO:0018961.

Allele frequency attached by ClinVar (database versions not stated): TOPMed below 0.00001; gnomAD 0.00002 and 0.00003.
gnomAD v4.1: 32 of 1,607,770 alleles (0.002%); highest among the groups gnomAD compares: Admixed American, 0.0083%; no homozygotes.

Submissions (6):

Labcorp Genetics (formerly Invitae), Labcorp
Classification: Likely benign for Familial melanoma. Last evaluated: 2025-10-23. Review status: criteria provided, single submitter. Criteria: Invitae Variant Classification Sherloc (09022015). Collection method: clinical testing. Allele origin: germline.

Ambry Genetics
Classification: Uncertain significance for Hereditary cancer-predisposing syndrome. Last evaluated: 2025-05-28. Review status: criteria provided, single submitter. Criteria: Ambry Variant Classification Scheme 2023. Collection method: clinical testing. Allele origin: germline.
Comment: The c.342C>G variant (also known as p.P114P), located in coding exon 2 of the CDKN2A gene, results from a C to G substitution at nucleotide position 342 and does not change the amino acid at position 114 in the p16 isoform. Of note, this alteration is also known as c.385C>G (p.R129G) in the p14(ARF) isoform and results from a C>G substitution at nucleotide position 385. The evidence for this gene-disease relationship is limited; therefore, the association of this alteration in the p14ARF isoform with melanoma-pancreatic cancer syndrome is unknown. However, the association of this alteration in the p16 isoform with melanoma-pancreatic cancer syndrome is unlikely.

Quest Diagnostics Nichols Institute San Juan Capistrano
Classification: Uncertain significance. Last evaluated: 2024-10-14. Review status: criteria provided, single submitter. Criteria: Quest Diagnostics criteria. Collection method: clinical testing. Allele origin: unknown.
Comment: The P14-ARF CDKN2A c.385C>G (p.Arg129Gly) variant has not been reported in individuals with CDKN2A-related conditions in the published literature. The frequency of this variant in the general population, 0.000087 (3/34320 chromosomes in Admixed American subpopulation (Genome Aggregation Database)), is higher than would generally be expected for pathogenic variants in this gene. Analysis of this variant using bioinformatics tools for the prediction of the effect of amino acid changes on protein structure and function yielded conflicting predictions that this variant is deleterious or benign. Based on the available information, we are unable to determine the clinical significance of this variant.

GeneDx
Classification: Uncertain significance. Last evaluated: 2024-01-09. Review status: criteria provided, single submitter. Criteria: GeneDx Variant Classification Process June 2021. Collection method: clinical testing. Allele origin: germline. Affected: yes.
Comment: In silico analysis supports that this missense variant has a deleterious effect on protein structure/function; Observed in a patient with a personal and family history of uterine, breast, ovarian, and/or pancreatic cancers, and also observed in unaffected controls in a biliary tract cancer study (PMID: 34326862, 36243179); Reported using an alternate transcript of the gene; Also known as p.Pro114=; This variant is associated with the following publications: (PMID: 36243179, 34326862)

Color Diagnostics, LLC DBA Color Health
Classification: Likely benign for Hereditary cancer-predisposing syndrome. Last evaluated: 2018-10-11. Review status: criteria provided, single submitter. Criteria: ACMG Guidelines, 2015. Collection method: clinical testing. Allele origin: germline.

PreventionGenetics, part of Exact Sciences
Classification: Likely benign for CDKN2A-related condition. Last evaluated: 2020-03-12. Review status: no assertion criteria provided. Collection method: clinical testing. Allele origin: germline. Not counted in ClinVar's aggregate classification.
Comment: This variant is classified as likely benign based on ACMG/AMP sequence variant interpretation guidelines (Richards et al. 2015 PMID: 25741868, with internal and published modifications).